The following is an entry in ClinVar:

NM_004444.5(EPHB4):c.2552_2553delinsCC (p.Gln851Pro)

Genes: EPHB4 (EPH receptor B4; minus strand), LOC126860124 (CDK7 strongly-dependent group 2 enhancer GRCh37_chr7:100403701-100404900; plus strand). Cytogenetic location: 7q22.1.
Variant type: Indel.
Coding change: c.2552_2553delinsCC on transcript NM_004444.5 (MANE Select); coding-DNA positions 2552 to 2553, AG replaced by CC.
Protein change: p.Gln851Pro; replaces glutamine 851 with proline.
Molecular consequence: missense variant.
Genome position (GRCh38, 1-based): chr7:100,805,626-100,805,627, CT replaced by GG on the plus strand (AG replaced by CC on the coding strand, the reverse complement: EPHB4 is on the minus strand). VCF-style: chr7-100805626-CT-GG. GRCh37 (hg19) VCF-style: chr7-100403248-CT-GG.
Other names: short protein forms Q851P.
Identifiers: ClinVar variation 2818477 (VCV002818477.3), dbSNP rs2484998001, ClinGen allele CA2739279307.

ClinVar aggregate classification (germline): Uncertain significance (1 of 4 stars; one submission).

Submission:

Labcorp Genetics (formerly Invitae), Labcorp
Classification: Uncertain significance. Last evaluated: 2023-03-26. Review status: criteria provided, single submitter. Criteria: Invitae Variant Classification Sherloc (09022015). Collection method: clinical testing. Allele origin: germline.
Comment: This sequence change replaces glutamine, which is neutral and polar, with proline, which is neutral and non-polar, at codon 851 of the EPHB4 protein (p.Gln851Pro). Information on the frequency of this variant in the gnomAD database is not available, as this variant may be reported differently in the database. In summary, the available evidence is currently insufficient to determine the role of this variant in disease. Therefore, it has been classified as a Variant of Uncertain Significance. An algorithm developed to predict the effect of missense changes on protein structure and function (PolyPhen-2) suggests that this variant is likely to be disruptive. This missense change has been observed in individual(s) with clinical features of capillary malformation-arteriovenous malformation (Invitae). It has also been observed to segregate with disease in related individuals.